The following is an entry in ClinVar:

ClinVar aggregate classification (germline): Likely pathogenic (1 of 4 stars; one submission).

Submission:

GeneDx
Classification: Likely pathogenic. Last evaluated: 2024-04-16. Review status: criteria provided, single submitter. Criteria: GeneDx Variant Classification Process June 2021. Collection method: clinical testing. Allele origin: germline. Affected: yes.
Comment: Not observed at significant frequency in large population cohorts (gnomAD); In silico analysis supports that this missense variant has a deleterious effect on protein structure/function; Has not been previously published as pathogenic or benign to our knowledge

NM_000944.5(PPP3CA):c.322C>T (p.Pro108Ser)

Gene: PPP3CA (protein phosphatase 3 catalytic subunit alpha; minus strand). Cytogenetic location: 4q24.
Variant type: single nucleotide variant.
Coding change: c.322C>T on transcript NM_000944.5 (MANE Select); coding-DNA position 322, C replaced by T.
Protein change: p.Pro108Ser; replaces proline 108 with serine.
Molecular consequence: missense variant.
Genome position (GRCh38, 1-based): chr4:101,109,016, G>A on the plus strand (C>T on the coding strand, the complement: PPP3CA is on the minus strand). VCF-style: chr4-101109016-G-A. GRCh37 (hg19) VCF-style: chr4-102030173-G-A.
Other names: c.322C>T, p.Pro108Ser (NM_001130691.2, NM_001130692.2); short protein forms P108S.
Identifiers: ClinVar variation 3375741 (VCV003375741.1).